The following is an entry in ClinVar:

ClinVar aggregate classification (germline): Likely pathogenic (1 of 4 stars; one submission).

Conditions:
Developmental and epileptic encephalopathy, 53. Also called: Epileptic encephalopathy, early infantile, 53. Identifiers: MedGen C4479313, MONDO:0033362, OMIM 617389.

Submission:

Diagnostics Services (NGS), CSIR - Centre For Cellular And Molecular Biology
Classification: Likely pathogenic for Developmental and epileptic encephalopathy, 53. Last evaluated: 2026-02-02. Review status: criteria provided, single submitter. Criteria: ACMG Guidelines, 2015. Collection method: clinical testing. Allele origin: germline. Observed: 1 variant allele, 1 heterozygote.
Comment: The c.1800del variant is not present in publicly available population databases like 1000 Genomes, EVS, gnomAD, Indian Exome Database or in our internal database. The variant has neither been published in the literature for SYNJ1-related conditions nor reported to clinical databases like Human Genome Mutation Database (HGMD), ClinVar or OMIM, in any affected individuals. In-silico pathogenicity prediction programs like MutationTaster2021, CADD, Franklin, Varsome etc, predicted this variant to be likely deleterious. This variant causes frameshift at the 600th amino acid position of the wild-type transcript, which creates a premature translational stop signal at the altered transcript that may either result in the translation of a truncated protein or cause nonsense-mediated decay of the mRNA.

NM_203446.3(SYNJ1):c.1800del (p.Ile600fs)

Gene: SYNJ1 (synaptojanin 1; minus strand). Cytogenetic location: 21q22.11.
Variant type: Deletion.
Coding change: c.1800del on transcript NM_203446.3 (MANE Select); coding-DNA position 1800, one base deleted (T; older notation c.1800delT).
Protein change: p.Ile600fs; shifts the reading frame from isoleucine 600.
Molecular consequence: frameshift variant.
Genome position (GRCh38, 1-based): chr21:32,670,299, A deleted on the plus strand (T on the coding strand, the reverse complement: SYNJ1 is on the minus strand); the first of 2 consecutive A bases (chr21:32,670,299-32,670,300); deleting either gives the same sequence. VCF-style (leftmost placement, unchanged base first): chr21-32670298-CA-C. GRCh37 (hg19) VCF-style: chr21-34042608-CA-C.
Other names: c.1800del, p.Ile600fs (NM_001160302.2); c.1785del, p.Ile595fs (NM_001160306.2); c.1917del, p.Ile639fs (NM_003895.4); short protein forms I595fs, I600fs, I639fs.
Identifiers: ClinVar variation 4849684 (VCV004849684.1).